The following is an entry in ClinVar:

ClinVar aggregate classification (germline): Uncertain significance (1 of 4 stars; one submission).

gnomAD v4.1: 1 of 1,596,604 alleles (0.000063%); highest among the groups gnomAD compares: Non-Finnish European, 0.000085%; no homozygotes.

Submission:

GeneDx
Classification: Uncertain significance. Last evaluated: 2024-09-12. Review status: criteria provided, single submitter. Criteria: GeneDx Variant Classification Process June 2021. Collection method: clinical testing. Allele origin: germline. Affected: yes.
Comment: Not observed at significant frequency in large population cohorts (gnomAD); In silico analysis supports a deleterious effect on splicing; Has not been previously published as pathogenic or benign to our knowledge

NM_194248.3(OTOF):c.5192+4A>G

Genes: OTOF (otoferlin; minus strand), LOC112840921 (BRD4-independent group 4 enhancer GRCh37_chr2:26685720-26686919; plus strand). Cytogenetic location: 2p23.3.
Variant type: single nucleotide variant.
Coding change: c.5192+4A>G on transcript NM_194248.3 (MANE Select); 4 bases into the intron after coding-DNA position 5192, A replaced by G.
Molecular consequence: intron variant.
Genome position (GRCh38, 1-based): chr2:26,463,479, T>C on the plus strand (A>G on the coding strand, the complement: OTOF is on the minus strand). VCF-style: chr2-26463479-T-C. GRCh37 (hg19) VCF-style: chr2-26686347-T-C.
Other names: c.5192+4A>G (NM_001287489.2); c.2891+4A>G (NM_194323.3, NM_004802.4); c.3122+4A>G (NM_194322.3).
Identifiers: ClinVar variation 3769821 (VCV003769821.1).
Genomic context (GRCh38, chr2:26,463,479, plus strand): 5'-GGCCGTGGTGGGAAGTGGGTGGGGTGGGCCGGAAGGGAGTAGCGCTGGGCCCCAGGCCGC[T>C]CACTTCTTGGGCTTCCGAGGTGAGATGTCCAGAGGCGTCCCAGGGGCTGGCATGTCCATG-3'